The following is an entry in ClinVar:

ClinVar aggregate classification (germline): Uncertain significance. Review status: criteria provided, multiple submitters, no conflicts (2 of 4 stars). 2 submissions from 2 submitters: Uncertain significance (2). Last evaluated 2025-07-03.

Conditions:
Inborn genetic diseases. Identifiers: MedGen C0950123, MeSH D030342.

Allele frequency attached by ClinVar (database versions not stated): gnomAD exomes below 0.00001; ExAC 0.00001; ESP Exome Variant Server 0.00008.
gnomAD v4.1: 9 of 1,614,042 alleles (0.00056%); highest among the groups gnomAD compares: African/African-American, 0.0027%; no homozygotes.

Submissions (2):

Ambry Genetics
Classification: Uncertain significance for Inborn genetic diseases. Last evaluated: 2025-07-03. Review status: criteria provided, single submitter. Criteria: Ambry Variant Classification Scheme 2023. Collection method: clinical testing. Allele origin: germline.

Labcorp Genetics (formerly Invitae), Labcorp
Classification: Uncertain significance. Last evaluated: 2024-12-02. Review status: criteria provided, single submitter. Criteria: Invitae Variant Classification Sherloc (09022015). Collection method: clinical testing. Allele origin: germline.
Comment: This sequence change replaces valine, which is neutral and non-polar, with methionine, which is neutral and non-polar, at codon 1657 of the NBAS protein (p.Val1657Met). This variant is present in population databases (rs147763358, gnomAD 0.0009%). This variant has not been reported in the literature in individuals affected with NBAS-related conditions. ClinVar contains an entry for this variant (Variation ID: 1393367). Invitae Evidence Modeling of protein sequence and biophysical properties (such as structural, functional, and spatial information, amino acid conservation, physicochemical variation, residue mobility, and thermodynamic stability) has been performed for this missense variant. However, the output from this modeling did not meet the statistical confidence thresholds required to predict the impact of this variant on NBAS protein function. In summary, the available evidence is currently insufficient to determine the role of this variant in disease. Therefore, it has been classified as a Variant of Uncertain Significance.

NM_015909.4(NBAS):c.4969G>A (p.Val1657Met)

Gene: NBAS (NBAS subunit of NRZ tethering complex; minus strand). Cytogenetic location: 2p24.3.
Variant type: single nucleotide variant.
Coding change: c.4969G>A on transcript NM_015909.4 (MANE Select); coding-DNA position 4969, G replaced by A.
Protein change: p.Val1657Met; replaces valine 1657 with methionine.
Molecular consequence: missense variant. On other transcripts: non-coding transcript variant (1).
Genome position (GRCh38, 1-based): chr2:15,292,595, C>T on the plus strand (G>A on the coding strand, the complement: NBAS is on the minus strand). VCF-style: chr2-15292595-C-T. GRCh37 (hg19) VCF-style: chr2-15432719-C-T.
Other names: c.4969G>A (NM_015909.2); short protein forms V1657M.
Identifiers: ClinVar variation 1393367 (VCV001393367.6), dbSNP rs147763358, ClinGen allele CA1535440.